The following is an entry in ClinVar:

NM_138694.4(PKHD1):c.9296C>A (p.Ser3099Ter)

Gene: PKHD1 (PKHD1 ciliary IPT domain containing fibrocystin/polyductin; minus strand). Cytogenetic location: 6p12.3.
Variant type: single nucleotide variant.
Coding change: c.9296C>A on transcript NM_138694.4 (MANE Select); coding-DNA position 9296, C replaced by A.
Protein change: p.Ser3099Ter; replaces serine 3099 with a stop codon.
Molecular consequence: nonsense.
Genome position (GRCh38, 1-based): chr6:51,748,320, G>T on the plus strand (C>A on the coding strand, the complement: PKHD1 is on the minus strand). VCF-style: chr6-51748320-G-T. GRCh37 (hg19) VCF-style: chr6-51613118-G-T.
Other names: c.9296C>A, p.Ser3099Ter (NM_170724.3); short protein forms S3099*.
Identifiers: ClinVar variation 432135 (VCV000432135.11), dbSNP rs757946548, ClinGen allele CA3851414.

ClinVar aggregate classification (germline): Pathogenic/Likely pathogenic. Review status: criteria provided, multiple submitters, no conflicts (2 of 4 stars). 6 submissions from 6 submitters: Pathogenic (3); Likely pathogenic (3). Last evaluated 2026-03-04.

Conditions:
Polycystic kidney disease 4 (PKD4). Also called: PKD3; POLYCYSTIC KIDNEY DISEASE 4 WITH OR WITHOUT POLYCYSTIC LIVER DISEASE; Autosomal Recessive Polycystic Kidney Disease – PKHD1; POLYCYSTIC KIDNEY AND HEPATIC DISEASE 1; POLYCYSTIC KIDNEY DISEASE, INFANTILE, TYPE I. Identifiers: MedGen C4540575, MONDO:0033004, OMIM 263200.
Autosomal recessive polycystic kidney disease (ARPKD). Also called: AR polycystic kidney disease. Identifiers: Orphanet 731, Orphanet 8378, MedGen C0085548, MeSH D017044, MONDO:0009889.

Allele frequency attached by ClinVar (database versions not stated): gnomAD exomes below 0.00001; TOPMed below 0.00001; ExAC 0.00001; gnomAD 0.00001.
gnomAD v4.1: 4 of 1,613,916 alleles (0.00025%); highest among the groups gnomAD compares: Non-Finnish European, 0.00034%; no homozygotes.

Submissions (6):

Women's Health and Genetics/Laboratory Corporation of America, LabCorp
Classification: Pathogenic for Autosomal recessive polycystic kidney disease. Last evaluated: 2026-03-04. Review status: criteria provided, single submitter. Criteria: LabCorp Variant Classification Summary - May 2015. Collection method: clinical testing. Allele origin: germline.
Comment: Variant summary: PKHD1 c.9296C>A (p.Ser3099X) results in a premature termination codon, predicted to cause a truncation of the encoded protein or absence of the protein due to nonsense mediated decay, which are commonly known mechanisms for disease. The variant allele was found at a frequency of 4e-06 in 251130 control chromosomes. To our knowledge, no occurrence of c.9296C>A in individuals affected with PKHD1-related conditions and no experimental evidence demonstrating its impact on protein function have been reported. ClinVar contains an entry for this variant (Variation ID: 432135). Based on the evidence outlined above, the variant was classified as pathogenic.

Natera, Inc.
Classification: Likely pathogenic for Autosomal recessive polycystic kidney disease. Last evaluated: 2025-10-02. Review status: criteria provided, single submitter. Criteria: Natera Variant Classification Schema (03/2026). Collection method: clinical testing. Allele origin: germline.
Comment: The c.9296C>A variant in PKHD1 is a nonsense variant predicted to introduce a stop codon at amino acid 3099. This variant is expected to result in nonsense mediated decay, truncation, or a dysfunctional protein product. This variant is rare in the general population with a frequency below the threshold expected for the associated phenotype(s). Given the available evidence, this variant is classified as Likely Pathogenic.

Baylor Genetics
Classification: Likely pathogenic for Polycystic kidney disease 4. Last evaluated: 2024-02-18. Review status: criteria provided, single submitter. Criteria: ACMG Guidelines, 2015. Collection method: clinical testing. Allele origin: unknown.

Labcorp Genetics (formerly Invitae), Labcorp
Classification: Pathogenic for Autosomal recessive polycystic kidney disease. Last evaluated: 2023-02-28. Review status: criteria provided, single submitter. Criteria: Invitae Variant Classification Sherloc (09022015). Collection method: clinical testing. Allele origin: germline.
Comment: For these reasons, this variant has been classified as Pathogenic. ClinVar contains an entry for this variant (Variation ID: 432135). This variant has not been reported in the literature in individuals affected with PKHD1-related conditions. This variant is present in population databases (rs757946548, gnomAD 0.0009%). This sequence change creates a premature translational stop signal (p.Ser3099*) in the PKHD1 gene. It is expected to result in an absent or disrupted protein product. Loss-of-function variants in PKHD1 are known to be pathogenic (PMID: 19940839).

Department of Pathology and Laboratory Medicine, Sinai Health System
Classification: Pathogenic for Polycystic kidney disease 4. Last evaluated: 2022-12-14. Review status: criteria provided, single submitter. Criteria: ACMG Guidelines, 2015. Collection method: clinical testing. Allele origin: germline. Affected: yes.

GeneDx
Classification: Likely pathogenic. Last evaluated: 2016-04-05. Review status: criteria provided, single submitter. Criteria: GeneDx Variant Classification (06012015). Collection method: clinical testing. Allele origin: germline. Affected: yes.
Comment: The S3099X variant in the PKHD1 gene has not been reported previously as a pathogenic variant nor as a benign variant, to our knowledge. This variant is predicted to cause loss of normal protein function either through protein truncation or nonsense-mediated mRNA decay. The S3099X variant was not observed in approximately 6,500 individuals of European and African American ancestry in the NHLBI Exome Sequencing Project, indicating it is not a common benign variant in these populations. The S3099X variant is a strong candidate for a pathogenic variant, however the possibility it may be a rare benign variant cannot be excluded.

Literature cited by the submitters: PubMed 19940839 (cited by Labcorp Genetics (formerly Invitae), Labcorp).